The following is an entry in ClinVar:

ClinVar aggregate classification (germline): Conflicting classifications of pathogenicity. Review status: criteria provided, conflicting classifications (1 of 4 stars). 4 submissions from 3 submitters: Uncertain significance (2); Benign (1); Likely benign (1). Last evaluated 2022-10-19.

Conditions:
WFS1-Related Spectrum Disorders.
Autosomal dominant nonsyndromic hearing loss 6 (LFSNHL). Also called: DEAFNESS, AUTOSOMAL DOMINANT 6; DEAFNESS, AUTOSOMAL DOMINANT 14; DEAFNESS, AUTOSOMAL DOMINANT 38; Autosomal dominant nonsyndromic deafness 6; DIDMOAD (Diabetes Insipidus, Diabetes Mellitus, Optic Atrophy, and Deafness). Identifiers: Orphanet 90635, MedGen C1833021, MONDO:0010963, OMIM 600965.
Wolfram syndrome 1 (WFS1). Identifiers: Orphanet 3463, MedGen C4551693, MONDO:0009101, OMIM 222300.

Allele frequency attached by ClinVar (database versions not stated): TOPMed 0.00001.
gnomAD v4.1: 2 of 1,604,694 alleles (0.00012%); highest among the groups gnomAD compares: African/African-American, 0.0013%; no homozygotes.

Submissions (4):

Labcorp Genetics (formerly Invitae), Labcorp
Classification: Likely benign. Last evaluated: 2022-10-19. Review status: criteria provided, single submitter. Criteria: Invitae Variant Classification Sherloc (09022015). Collection method: clinical testing. Allele origin: germline.

Illumina Laboratory Services, Illumina
Classification: Uncertain significance for Autosomal dominant nonsyndromic hearing loss 6. Last evaluated: 2018-01-12. Review status: criteria provided, single submitter. Criteria: ICSL Variant Classification Criteria 13 December 2019. Collection method: clinical testing. Allele origin: germline.

Illumina Laboratory Services, Illumina
Classification: Uncertain significance for WFS1-Related Spectrum Disorders. Last evaluated: 2018-01-12. Review status: criteria provided, single submitter. Criteria: ICSL Variant Classification Criteria 13 December 2019. Collection method: clinical testing. Allele origin: germline.

Clinical Genomics, Uppaluri K&H Personalized Medicine Clinic
Classification: Benign for Wolfram syndrome 1. Review status: criteria provided, single submitter. Criteria: K & H Uppaluri Personalized Medicine Clinic Variant Classification & Assertion Criteria_Updated V.1. Collection method: research. Allele origin: unknown. Inheritance: Autosomal recessive inheritance.
Comment: Potent mutations in WFS1 gene are associated with Wolfram's syndrome, an autosomal recessive condition, which cause diabetes mellitus, diabetes insipidus, deafness and optic atrophy. However no sufficient evidence is found to ascertain the role of this particular variant rs886059532 in Wolfram's syndrome yet.

Literature cited by the submitters: PubMed 20738327 (cited by Clinical Genomics, Uppaluri K&H Personalized Medicine Clinic); PubMed 33879153 (cited by Clinical Genomics, Uppaluri K&H Personalized Medicine Clinic); PubMed 12955714 (cited by Clinical Genomics, Uppaluri K&H Personalized Medicine Clinic); PubMed 18060660 (cited by Clinical Genomics, Uppaluri K&H Personalized Medicine Clinic); PubMed 20301750 (cited by Clinical Genomics, Uppaluri K&H Personalized Medicine Clinic); PubMed 17603484 (cited by Clinical Genomics, Uppaluri K&H Personalized Medicine Clinic).

NM_006005.3(WFS1):c.2481C>T (p.Thr827=)

Gene: WFS1 (wolframin ER transmembrane glycoprotein; plus strand). Cytogenetic location: 4p16.1.
Variant type: single nucleotide variant.
Coding change: c.2481C>T on transcript NM_006005.3 (MANE Select); coding-DNA position 2481, C replaced by T.
Protein change: p.Thr827=; no amino-acid change (threonine 827 retained).
Molecular consequence: synonymous variant.
Genome position (GRCh38, 1-based): chr4:6,302,276, C>T. VCF-style: chr4-6302276-C-T. GRCh37 (hg19) VCF-style: chr4-6304003-C-T.
Other names: c.2481C>T, p.Thr827= (NM_001145853.1).
Identifiers: ClinVar variation 349329 (VCV000349329.13), dbSNP rs886059532, ClinGen allele CA10618107.
Genomic context (GRCh38, chr4:6,302,276, plus strand): 5'-CAGCGAGTTCAAGAGCGTGCTGCTCAGCCTGCGCCAGGGCAGCCTCATCGAGTTCAGCAC[C>T]ATCCTGGAGGGCCGCCTGGGCAGCAAGTGGCCTGTCTTCGAGCTCAAGGCCATCAGCTGC-3'
Protein context (NP_005996.2, residues 817-837): LRQGSLIEFS[Thr827=]ILEGRLGSKW